The following is an entry in ClinVar:

NM_031935.3(HMCN1):c.13550C>T (p.Ser4517Phe)

Gene: HMCN1 (hemicentin 1; plus strand). Cytogenetic location: 1q31.1.
Variant type: single nucleotide variant.
Coding change: c.13550C>T on transcript NM_031935.3 (MANE Select); coding-DNA position 13550, C replaced by T.
Protein change: p.Ser4517Phe; replaces serine 4517 with phenylalanine.
Molecular consequence: missense variant.
Genome position (GRCh38, 1-based): chr1:186,136,905, C>T. VCF-style: chr1-186136905-C-T. GRCh37 (hg19) VCF-style: chr1-186106037-C-T.
Other names: short protein forms S4517F.
Identifiers: ClinVar variation 3650420 (VCV003650420.2).
Genomic context (GRCh38, chr1:186,136,905, plus strand): 5'-CTGATGCTCAGAAAGAAGATACCTCTGAATTTGAATGTGTTGCTCGAAACTTAATGGGTT[C>T]TGTCCTTGTCAGAGTGCCAGTCATAGTCCAGGGTGAGTGTGATCAGAGGAATATTCATAG-3'
Protein context (NP_114141.2, residues 4507-4527): FECVARNLMG[Ser4517Phe]VLVRVPVIVQ

ClinVar aggregate classification (germline): Uncertain significance (1 of 4 stars; one submission).

gnomAD v4.1: 1 of 1,613,954 alleles (0.000062%); highest among the groups gnomAD compares: Non-Finnish European, 0.000085%; no homozygotes.

Submission:

Labcorp Genetics (formerly Invitae), Labcorp
Classification: Uncertain significance. Last evaluated: 2024-04-25. Review status: criteria provided, single submitter. Criteria: Invitae Variant Classification Sherloc (09022015). Collection method: clinical testing. Allele origin: germline.
Comment: This sequence change replaces serine, which is neutral and polar, with phenylalanine, which is neutral and non-polar, at codon 4517 of the HMCN1 protein (p.Ser4517Phe). This variant is not present in population databases (gnomAD no frequency). This variant has not been reported in the literature in individuals affected with HMCN1-related conditions. An algorithm developed to predict the effect of missense changes on protein structure and function (PolyPhen-2) suggests that this variant is likely to be disruptive. In summary, the available evidence is currently insufficient to determine the role of this variant in disease. Therefore, it has been classified as a Variant of Uncertain Significance.